The following is an entry in ClinVar:

NM_001009944.3(PKD1):c.706del (p.Gln236fs)

Gene: PKD1 (polycystin 1, transient receptor potential channel interacting; minus strand). Cytogenetic location: 16p13.3.
Variant type: Deletion.
Coding change: c.706del on transcript NM_001009944.3 (MANE Select); coding-DNA position 706, one base deleted (C; older notation c.706delC).
Protein change: p.Gln236fs; shifts the reading frame from glutamine 236.
Molecular consequence: frameshift variant.
Genome position (GRCh38, 1-based): chr16:2,118,286, G deleted on the plus strand (C on the coding strand, the reverse complement: PKD1 is on the minus strand); the first of 3 consecutive G bases (chr16:2,118,286-2,118,288); deleting any one gives the same sequence. VCF-style (leftmost placement, unchanged base first): chr16-2118285-TG-T. GRCh37 (hg19) VCF-style: chr16-2168286-TG-T.
Other names: c.706del, p.Gln236fs (NM_000296.4); short protein forms Q236fs.
Identifiers: ClinVar variation 3067678 (VCV003067678.21), dbSNP rs2544880243, ClinGen allele CA2575879151.

ClinVar aggregate classification (germline): Pathogenic (1 of 4 stars; one submission).

Submission:

CeGaT Center for Human Genetics Tuebingen
Classification: Pathogenic. Last evaluated: 2024-03-01. Review status: criteria provided, single submitter. Criteria: CeGaT Center For Human Genetics Tuebingen Variant Classification Criteria Version 2. Collection method: clinical testing. Allele origin: germline. Affected: yes. Observed: 1 variant allele.
Comment: PKD1: PVS1, PM2